The following is an entry in ClinVar:

ClinVar aggregate classification (germline): Uncertain significance (1 of 4 stars; one submission).

gnomAD v4.1: 1 of 1,613,746 alleles (0.000062%); highest among the groups gnomAD compares: Non-Finnish European, 0.000085%; no homozygotes.

Submission:

Ambry Genetics
Classification: Uncertain significance. Last evaluated: 2026-05-23. Review status: criteria provided, single submitter. Criteria: Ambry Variant Classification Scheme 2023. Collection method: clinical testing. Allele origin: germline.
Comment: The p.A718T variant (also known as c.2152G>A), located in coding exon 14 of the MYOM1 gene, results from a G to A substitution at nucleotide position 2152. The alanine at codon 718 is replaced by threonine, an amino acid with similar properties. This amino acid position is conserved. In addition, the in silico prediction for this alteration is inconclusive. Based on the available evidence, the clinical significance of this variant remains unclear.

NM_003803.4(MYOM1):c.2152G>A (p.Ala718Thr)

Gene: MYOM1 (myomesin 1; minus strand). Cytogenetic location: 18p11.31.
Variant type: single nucleotide variant.
Coding change: c.2152G>A on transcript NM_003803.4 (MANE Select); coding-DNA position 2152, G replaced by A.
Protein change: p.Ala718Thr; replaces alanine 718 with threonine.
Molecular consequence: missense variant.
Genome position (GRCh38, 1-based): chr18:3,135,604, C>T on the plus strand (G>A on the coding strand, the complement: MYOM1 is on the minus strand). VCF-style: chr18-3135604-C-T. GRCh37 (hg19) VCF-style: chr18-3135602-C-T.
Other names: c.2152G>A, p.Ala718Thr (NM_019856.2); short protein forms A718T.
Identifiers: ClinVar variation 4860681 (VCV004860681.1).